The following is an entry in ClinVar:

ClinVar aggregate classification (germline): Uncertain significance. Review status: criteria provided, multiple submitters, no conflicts (2 of 4 stars). 4 submissions from 4 submitters: Uncertain significance (4). Last evaluated 2025-07-08.

Conditions:
TUB-related disorder. Also called: TUB-related condition.
Retinal dystrophy and obesity (RDOB). Identifiers: Orphanet 791, MedGen C4015424, MONDO:0014522, OMIM 616188.

Allele frequency attached by ClinVar (database versions not stated): gnomAD exomes 0.00001 and 0.00008; ExAC 0.00002; TOPMed 0.00004; gnomAD 0.00006; 1000 Genomes Project 30x 0.00016; 1000 Genomes Project 0.00020.
gnomAD v4.1: 133 of 1,614,146 alleles (0.0082%); highest among the groups gnomAD compares: Non-Finnish European, 0.01%; no homozygotes.

Submissions (4):

PreventionGenetics, part of Exact Sciences
Classification: Uncertain significance for TUB-related condition. Last evaluated: 2025-07-08. Review status: criteria provided, single submitter. Criteria: ACMG Guidelines, 2015. Collection method: clinical testing. Allele origin: germline.
Comment: The TUB c.1397T>A variant is predicted to result in the amino acid substitution p.Leu466Gln. To our knowledge, this variant has not been reported in the literature. This variant is reported in 0.0031% of alleles in individuals of European (Non-Finnish) descent in gnomAD. At this time, the clinical significance of this variant is uncertain due to the absence of conclusive functional and genetic evidence.

Blueprint Genetics
Classification: Uncertain significance. Last evaluated: 2024-02-21. Review status: criteria provided, single submitter. Criteria: ACMG Guidelines, 2015. Collection method: clinical testing. Allele origin: germline.

Labcorp Genetics (formerly Invitae), Labcorp
Classification: Uncertain significance. Last evaluated: 2023-12-01. Review status: criteria provided, single submitter. Criteria: Invitae Variant Classification Sherloc (09022015). Collection method: clinical testing. Allele origin: germline.
Comment: This sequence change replaces leucine, which is neutral and non-polar, with glutamine, which is neutral and polar, at codon 466 of the TUB protein (p.Leu466Gln). This variant is present in population databases (rs200239459, gnomAD 0.004%). This variant has not been reported in the literature in individuals affected with TUB-related conditions. ClinVar contains an entry for this variant (Variation ID: 956702). An algorithm developed to predict the effect of missense changes on protein structure and function (PolyPhen-2) suggests that this variant is likely to be disruptive. In summary, the available evidence is currently insufficient to determine the role of this variant in disease. Therefore, it has been classified as a Variant of Uncertain Significance.

Fulgent Genetics
Classification: Uncertain significance for Retinal dystrophy and obesity. Last evaluated: 2021-10-30. Review status: criteria provided, single submitter. Criteria: ACMG Guidelines, 2015. Collection method: clinical testing. Allele origin: unknown.

NM_177972.3(TUB):c.1232T>A (p.Leu411Gln)

Genes: RIC3 (RIC3 acetylcholine receptor chaperone; minus strand), TUB (TUB bipartite transcription factor; plus strand). Cytogenetic location: 11p15.4.
Variant type: single nucleotide variant.
Coding change: c.1232T>A on transcript NM_177972.3 (MANE Select); coding-DNA position 1232, T replaced by A.
Protein change: p.Leu411Gln; replaces leucine 411 with glutamine.
Molecular consequence: missense variant.
Genome position (GRCh38, 1-based): chr11:8,100,842, T>A. VCF-style: chr11-8100842-T-A. GRCh37 (hg19) VCF-style: chr11-8122389-T-A.
Other names: c.1397T>A, p.Leu466Gln (NM_003320.5); short protein forms L466Q, L411Q.
Identifiers: ClinVar variation 956702 (VCV000956702.13), dbSNP rs200239459, ClinGen allele CA5871448.